The following is an entry in ClinVar:

NM_000059.4(BRCA2):c.6938-515G>C

Gene: BRCA2 (BRCA2 DNA repair associated; plus strand). Cytogenetic location: 13q13.1.
Variant type: single nucleotide variant.
Coding change: c.6938-515G>C on transcript NM_000059.4 (MANE Select); 515 bases into the intron before coding-DNA position 6938, G replaced by C.
Molecular consequence: intron variant.
Genome position (GRCh38, 1-based): chr13:32,346,312, G>C. VCF-style: chr13-32346312-G-C. GRCh37 (hg19) VCF-style: chr13-32920449-G-C.
Other names: IVS 12-515G>C.
Identifiers: ClinVar variation 209713 (VCV000209713.1), dbSNP rs57263247, ClinGen allele CA276681.

ClinVar aggregate classification (germline): Benign (3 of 4 stars; one submission).

Conditions:
Breast-ovarian cancer, familial, susceptibility to, 2 (BROVCA2). Also called: BRCA2 Hereditary Breast and Ovarian Cancer. Identifiers: Orphanet 145, MedGen C2675520, MONDO:0012933, OMIM 612555. Disease mechanism: loss of function.

Allele frequency attached by ClinVar (database versions not stated): 1000 Genomes Project 0.00679; gnomAD 0.00727 and 0.00794; 1000 Genomes Project 30x 0.00734; TOPMed 0.00806.
gnomAD v4.1: 1,096 of 151,872 alleles (0.72%); highest among the groups gnomAD compares: African/African-American, 2.5%; 16 homozygotes.

Submission:

Evidence-based Network for the Interpretation of Germline Mutant Alleles (ENIGMA)
Classification: Benign for Breast-ovarian cancer, familial 2. Last evaluated: 2015-01-12. Review status: reviewed by expert panel. Criteria: ENIGMA BRCA1/2 Classification Criteria (2015). Collection method: curation. Allele origin: germline.
Comment: Class 1 not pathogenic based on frequency >1% in an outbred sampleset. Frequency 0.02642 (African), derived from 1000 genomes (2012-04-30).